The following is an entry in ClinVar:

ClinVar aggregate classification (germline): Uncertain significance (1 of 4 stars; one submission).

Allele frequency attached by ClinVar (database versions not stated): gnomAD 0.00001; TOPMed 0.00002; gnomAD exomes 0.00004.
gnomAD v4.1: 46 of 1,199,648 alleles (0.0038%); highest among the groups gnomAD compares: Non-Finnish European, 0.005%; no homozygotes.

Submission:

GeneDx
Classification: Uncertain significance. Last evaluated: 2021-06-24. Review status: criteria provided, single submitter. Criteria: GeneDx Variant Classification Process June 2021. Collection method: clinical testing. Allele origin: germline. Affected: yes.
Comment: Not observed at significant frequency in large population cohorts (Lek et al., 2016); In silico analysis supports that this missense variant does not alter protein structure/function; Has not been previously published as pathogenic or benign to our knowledge; This variant is associated with the following publications: (PMID: 27535533)

NM_153252.5(BRWD3):c.2315C>T (p.Thr772Ile)

Gene: BRWD3 (bromodomain and WD repeat domain containing 3; minus strand). Cytogenetic location: Xq21.1.
Variant type: single nucleotide variant.
Coding change: c.2315C>T on transcript NM_153252.5 (MANE Select); coding-DNA position 2315, C replaced by T.
Protein change: p.Thr772Ile; replaces threonine 772 with isoleucine.
Molecular consequence: missense variant.
Genome position (GRCh38, 1-based): chrX:80,716,167, G>A on the plus strand (C>T on the coding strand, the complement: BRWD3 is on the minus strand). VCF-style: chrX-80716167-G-A. GRCh37 (hg19) VCF-style: chrX-79971666-G-A.
Other names: short protein forms T772I.
Identifiers: ClinVar variation 1329619 (VCV001329619.2), dbSNP rs1194724264, ClinGen allele CA413632043.